The following is an entry in ClinVar:

NM_001220.5(CAMK2B):c.1439C>T (p.Pro480Leu)

Gene: CAMK2B (calcium/calmodulin dependent protein kinase II beta; minus strand). Cytogenetic location: 7p13.
Variant type: single nucleotide variant.
Coding change: c.1439C>T on transcript NM_001220.5 (MANE Select); coding-DNA position 1439, C replaced by T.
Protein change: p.Pro480Leu; replaces proline 480 with leucine.
Molecular consequence: missense variant. On other transcripts: intron variant (8).
Genome position (GRCh38, 1-based): chr7:44,228,825, G>A on the plus strand (C>T on the coding strand, the complement: CAMK2B is on the minus strand). VCF-style: chr7-44228825-G-A. GRCh37 (hg19) VCF-style: chr7-44268424-G-A.
Other names: c.947-7924C>T (NM_172084.3); c.1150+2181C>T (NM_172080.3); c.1036+2181C>T (NM_172083.3); c.1108+2181C>T (NM_172081.3); c.1153+2181C>T (NM_172079.3, NM_172082.3); c.1225+2181C>T (NM_001293170.2, NM_172078.3); short protein forms P480L.
Identifiers: ClinVar variation 1475394 (VCV001475394.8), dbSNP rs757353069, ClinGen allele CA4240311.

ClinVar aggregate classification (germline): Uncertain significance (1 of 4 stars; one submission).

Allele frequency attached by ClinVar (database versions not stated): gnomAD 0.00003 and 0.00005; TOPMed 0.00004; gnomAD exomes 0.00010; ExAC 0.00031.
gnomAD v4.1: 133 of 1,540,466 alleles (0.0086%); highest among the groups gnomAD compares: South Asian, 0.014%; 1 homozygote.

Submission:

Labcorp Genetics (formerly Invitae), Labcorp
Classification: Uncertain significance. Last evaluated: 2025-06-02. Review status: criteria provided, single submitter. Criteria: Invitae Variant Classification Sherloc (09022015). Collection method: clinical testing. Allele origin: germline.
Comment: This sequence change replaces proline, which is neutral and non-polar, with leucine, which is neutral and non-polar, at codon 480 of the CAMK2B protein (p.Pro480Leu). This variant is present in population databases (rs757353069, gnomAD 0.02%). This variant has not been reported in the literature in individuals affected with CAMK2B-related conditions. ClinVar contains an entry for this variant (Variation ID: 1475394). An algorithm developed to predict the effect of missense changes on protein structure and function outputs the following: PolyPhen-2: "Benign". The leucine amino acid residue is found in multiple mammalian species, which suggests that this missense change does not adversely affect protein function. In summary, the available evidence is currently insufficient to determine the role of this variant in disease. Therefore, it has been classified as a Variant of Uncertain Significance.